The following is an entry in ClinVar:

ClinVar aggregate classification (germline): Uncertain significance (1 of 4 stars; one submission).

Conditions:
Leber congenital amaurosis 13 (LCA13). Identifiers: MedGen C2675186, MONDO:0012990, OMIM 612712.

Allele frequency attached by ClinVar (database versions not stated): gnomAD 0.00001.
gnomAD v4.1: 1 of 1,614,048 alleles (0.000062%); highest among the groups gnomAD compares: Admixed American, 0.0017%; no homozygotes.

Submission:

Labcorp Genetics (formerly Invitae), Labcorp
Classification: Uncertain significance for Leber congenital amaurosis 13. Last evaluated: 2022-08-15. Review status: criteria provided, single submitter. Criteria: Invitae Variant Classification Sherloc (09022015). Collection method: clinical testing. Allele origin: germline.
Comment: This sequence change replaces lysine, which is basic and polar, with arginine, which is basic and polar, at codon 75 of the RDH12 protein (p.Lys75Arg). This variant is present in population databases (no rsID available, gnomAD 0.1%). This variant has not been reported in the literature in individuals affected with RDH12-related conditions. Algorithms developed to predict the effect of missense changes on protein structure and function are either unavailable or do not agree on the potential impact of this missense change (SIFT: "Tolerated"; PolyPhen-2: "Probably Damaging"; Align-GVGD: "Class C0"). In summary, the available evidence is currently insufficient to determine the role of this variant in disease. Therefore, it has been classified as a Variant of Uncertain Significance.

NM_152443.3(RDH12):c.224A>G (p.Lys75Arg)

Genes: GPHN (gephyrin; plus strand), RDH12 (retinol dehydrogenase 12; plus strand). Cytogenetic location: 14q24.1.
Variant type: single nucleotide variant.
Coding change: c.224A>G on transcript NM_152443.3 (MANE Select); coding-DNA position 224, A replaced by G.
Protein change: p.Lys75Arg; replaces lysine 75 with arginine.
Molecular consequence: missense variant.
Genome position (GRCh38, 1-based): chr14:67,725,135, A>G. VCF-style: chr14-67725135-A-G. GRCh37 (hg19) VCF-style: chr14-68191852-A-G.
Other names: short protein forms K75R.
Identifiers: ClinVar variation 1716455 (VCV001716455.5), dbSNP rs1380809174, ClinGen allele CA390148554.